The following is an entry in ClinVar:

NM_004970.3(IGFALS):c.1739A>C (p.Asn580Thr)

Gene: IGFALS (insulin like growth factor binding protein acid labile subunit; minus strand). Cytogenetic location: 16p13.3.
Variant type: single nucleotide variant.
Coding change: c.1739A>C on transcript NM_004970.3 (MANE Select); coding-DNA position 1739, A replaced by C.
Protein change: p.Asn580Thr; replaces asparagine 580 with threonine.
Molecular consequence: missense variant. On other transcripts: non-coding transcript variant (1).
Genome position (GRCh38, 1-based): chr16:1,790,679, T>G on the plus strand (A>C on the coding strand, the complement: IGFALS is on the minus strand). VCF-style: chr16-1790679-T-G. GRCh37 (hg19) VCF-style: chr16-1840680-T-G.
Other names: c.1853A>C, p.Asn618Thr (NM_001146006.2); short protein forms N580T, N618T.
Identifiers: ClinVar variation 4537056 (VCV004537056.1).
Genomic context (GRCh38, chr16:1,790,679, plus strand): 5'-GCCTCGCTGAGGTCCCGCAGGTCGAGCCCCACGACCTCGGGCGGGCTGGCACAGGTGATG[T>G]TGTTGTAGGTGTACGCGGGCGGCTGGCAATCGTCCCCCTCACAGATGGCCTGGACGAAGC-3'
Protein context (NP_004961.1, residues 570-590): DCQPPAYTYN[Asn580Thr]ITCASPPEVV

ClinVar aggregate classification (germline): Uncertain significance (1 of 4 stars; one submission).

Submission:

Women's Health and Genetics/Laboratory Corporation of America, LabCorp
Classification: Uncertain significance. Last evaluated: 2025-11-05. Review status: criteria provided, single submitter. Criteria: LabCorp Variant Classification Summary - May 2015. Collection method: clinical testing. Allele origin: germline.
Comment: Variant summary: IGFALS c.1739A>C (p.Asn580Thr) results in a non-conservative amino acid change in the encoded protein sequence. Algorithms developed to predict the effect of missense changes on protein structure and function are either unavailable or do not agree on the potential impact of this missense change. The variant was absent in 233488 control chromosomes. The available data on variant occurrences in the general population are insufficient to allow any conclusion about variant significance. To our knowledge, no occurrence of c.1739A>C in individuals affected with IGFALS-related conditions and no experimental evidence demonstrating its impact on protein function have been reported. No submitters have cited clinical-significance assessments for this variant to ClinVar. Based on the evidence outlined above, the variant was classified as uncertain significance.